The following is an entry in ClinVar:

NM_000186.4(CFH):c.100A>C (p.Thr34Pro)

Gene: CFH (complement factor H; plus strand). Cytogenetic location: 1q31.3.
Variant type: single nucleotide variant.
Coding change: c.100A>C on transcript NM_000186.4 (MANE Select); coding-DNA position 100, A replaced by C.
Protein change: p.Thr34Pro; replaces threonine 34 with proline.
Molecular consequence: missense variant.
Genome position (GRCh38, 1-based): chr1:196,673,019, A>C. VCF-style: chr1-196673019-A-C. GRCh37 (hg19) VCF-style: chr1-196642149-A-C.
Other names: c.100A>C, p.Thr34Pro (NM_001014975.3); short protein forms T34P.
Identifiers: ClinVar variation 4291343 (VCV004291343.1).

ClinVar aggregate classification (germline): Uncertain significance (1 of 4 stars; one submission).

Conditions:
Age related macular degeneration 4. Identifiers: MedGen C1853147, MONDO:0012540, OMIM 610698.

Submission:

Genomenon, Inc
Classification: Uncertain significance for Age related macular degeneration 4. Last evaluated: 2025-10-02. Review status: criteria provided, single submitter. Criteria: Genomenon Sequence Variant Interpretation Standards - Updated. Collection method: curation. Allele origin: germline. Affected: yes.
Comment: CFH p.Thr34Pro (c.100A>C) is a missense variant that changes the amino acid at residue 34 from Threonine to Proline. This variant has been observed in at least one proband affected with age-related macular degeneration (PMID:29686068). It is absent or not present at a significant frequency in gnomAD. In silico models agree that this variant is not damaging. In conclusion, we classify CFH p.Thr34Pro (c.100A>C) as a variant of uncertain significance.

Literature cited by the submitters: PubMed 29686068.